The following is an entry in ClinVar:

NM_002465.4(MYBPC1):c.787C>T (p.Leu263Phe)

Gene: MYBPC1 (myosin binding protein C1; plus strand). Cytogenetic location: 12q23.2.
Variant type: single nucleotide variant.
Coding change: c.787C>T on transcript NM_002465.4 (MANE Select); coding-DNA position 787, C replaced by T.
Protein change: p.Leu263Phe; replaces leucine 263 with phenylalanine.
Molecular consequence: missense variant.
Genome position (GRCh38, 1-based): chr12:101,642,540, C>T. VCF-style: chr12-101642540-C-T. GRCh37 (hg19) VCF-style: chr12-102036318-C-T.
Other names: p.Leu263Phe; c.712C>T, p.Leu238Phe (NM_001254718.3, NM_001254719.3, NM_206820.4 and 1 more transcripts); c.676C>T, p.Leu226Phe (NM_001254720.3); c.655C>T, p.Leu219Phe (NM_001254721.3, NM_001404676.1, NM_001404678.1); c.634C>T, p.Leu212Phe (NM_001254722.3, NM_001404680.1); c.673C>T, p.Leu225Phe (NM_001254723.3); c.787C>T, p.Leu263Phe (NM_001404675.1, NM_206819.4); c.577C>T, p.Leu193Phe (NM_001404677.1, NM_001404679.1, NM_001404681.1); short protein forms L193F, L212F, L219F, L225F, L226F, L238F, L263F.
Identifiers: ClinVar variation 2433858 (VCV002433858.3), dbSNP rs2547560623, ClinGen allele CA386280691.

ClinVar aggregate classification (germline): Uncertain significance. Review status: criteria provided, multiple submitters, no conflicts (2 of 4 stars). 2 submissions from 2 submitters: Uncertain significance (2). Last evaluated 2026-03-03.

Conditions:
Myopathy, congenital, with tremor. Also called: CONGENITAL MYOPATHY 16; myogenic tremor. Identifiers: MedGen C5231401, MONDO:0032797, OMIM 618524.

Submissions (2):

Department of Molecular Genetics, Istishari Arab Hospital
Classification: Uncertain significance for Myopathy, congenital, with tremor. Last evaluated: 2026-03-03. Review status: criteria provided, single submitter. Criteria: ACMG Guidelines, 2015. Collection method: clinical testing. Allele origin: germline. Inheritance: Autosomal dominant inheritance. Affected: yes.
Comment: The MYBPC1 variant c.787C>T, p.Leu263Phe creates an amino acid change from Leu to Phe at position 263. The variant is not observed in the gnomAD v4.1.0 dataset, and to the best of our knowledge, it was not previously reported in the literature. The variant is located in a mutational hot spot and/or well-established functional domain in which established pathogenic variants have been reported (PMID: 25679999, 31264822). It is classified as a variant of uncertain significance according to the recommendations of ACMG/AMP/ClinGen SVI guidelines.

Revvity Omics, Revvity
Classification: Uncertain significance. Last evaluated: 2021-05-07. Review status: criteria provided, single submitter. Criteria: ACMG Guidelines, 2015. Collection method: clinical testing. Allele origin: germline.

Literature cited by the submitters: PubMed 25679999 (cited by Department of Molecular Genetics, Istishari Arab Hospital); PubMed 31264822 (cited by Department of Molecular Genetics, Istishari Arab Hospital).